The following is an entry in ClinVar:

ClinVar aggregate classification (germline): Conflicting classifications of pathogenicity. Review status: criteria provided, conflicting classifications (1 of 4 stars). 3 submissions from 3 submitters: Uncertain significance (2); Likely benign (1). Last evaluated 2025-09-22.

Conditions:
Cardiovascular phenotype. Identifiers: MedGen CN230736.
Distal myopathy with posterior leg and anterior hand involvement. Also called: WILLIAMS DISTAL MYOPATHY. Identifiers: Orphanet 63273, MedGen C3279722, MONDO:0013550, OMIM 614065.
Myofibrillar myopathy 5. Also called: Filaminopathy (type); FILAMINOPATHY, AUTOSOMAL DOMINANT. Identifiers: Orphanet 171445, MedGen C1836050, MONDO:0012289, OMIM 609524.
Hypertrophic cardiomyopathy 26. Also called: Cardiomyopathy, familial hypertrophic, 26. Identifiers: Orphanet 75249, MedGen C4310749, MONDO:0014883, OMIM 617047.

Allele frequency attached by ClinVar (database versions not stated): gnomAD 0.00001; gnomAD exomes 0.00002; ExAC 0.00007; 1000 Genomes Project 30x 0.00031; 1000 Genomes Project 0.00040.
gnomAD v4.1: 22 of 1,559,088 alleles (0.0014%); highest among the groups gnomAD compares: South Asian, 0.023%; no homozygotes.

Submissions (3):

Ambry Genetics
Classification: Uncertain significance for Cardiovascular phenotype. Last evaluated: 2025-09-22. Review status: criteria provided, single submitter. Criteria: Ambry Variant Classification Scheme 2023. Collection method: clinical testing. Allele origin: germline.

Labcorp Genetics (formerly Invitae), Labcorp
Classification: Likely benign for Distal myopathy with posterior leg and anterior hand involvement; Myofibrillar myopathy 5; Hypertrophic cardiomyopathy 26. Last evaluated: 2023-03-24. Review status: criteria provided, single submitter. Criteria: Invitae Variant Classification Sherloc (09022015). Collection method: clinical testing. Allele origin: germline.

GeneDx
Classification: Uncertain significance. Last evaluated: 2022-05-02. Review status: criteria provided, single submitter. Criteria: GeneDx Variant Classification Process June 2021. Collection method: clinical testing. Allele origin: germline. Affected: yes.
Comment: Has not been previously published as pathogenic or benign to our knowledge; In silico analysis supports that this missense variant does not alter protein structure/function

NM_001458.5(FLNC):c.5257C>A (p.Pro1753Thr)

Gene: FLNC (filamin C; plus strand). Cytogenetic location: 7q32.1.
Variant type: single nucleotide variant.
Coding change: c.5257C>A on transcript NM_001458.5 (MANE Select); coding-DNA position 5257, C replaced by A.
Protein change: p.Pro1753Thr; replaces proline 1753 with threonine.
Molecular consequence: missense variant. On other transcripts: intron variant (1).
Genome position (GRCh38, 1-based): chr7:128,850,033, C>A. VCF-style: chr7-128850033-C-A. GRCh37 (hg19) VCF-style: chr7-128490087-C-A.
Other names: c.5200-351C>A (NM_001127487.2); short protein forms P1753T.
Identifiers: ClinVar variation 661448 (VCV000661448.11), dbSNP rs573399358, ClinGen allele CA4475616.